The following is an entry in ClinVar:

NM_052947.4(ALPK2):c.4955C>A (p.Thr1652Asn)

Gene: ALPK2 (alpha kinase 2; minus strand). Cytogenetic location: 18q21.31.
Variant type: single nucleotide variant.
Coding change: c.4955C>A on transcript NM_052947.4 (MANE Select); coding-DNA position 4955, C replaced by A.
Protein change: p.Thr1652Asn; replaces threonine 1652 with asparagine.
Molecular consequence: missense variant.
Genome position (GRCh38, 1-based): chr18:58,535,232, G>T on the plus strand (C>A on the coding strand, the complement: ALPK2 is on the minus strand). VCF-style: chr18-58535232-G-T. GRCh37 (hg19) VCF-style: chr18-56202464-G-T.
Other names: short protein forms T1652N.
Identifiers: ClinVar variation 3531675 (VCV003531675.1).

ClinVar aggregate classification (germline): Uncertain significance (1 of 4 stars; one submission).

gnomAD v4.1: 2 of 1,614,106 alleles (0.00012%); highest among the groups gnomAD compares: Non-Finnish European, 0.00017%; no homozygotes.

Submission:

Ambry Genetics
Classification: Uncertain significance. Last evaluated: 2024-10-11. Review status: criteria provided, single submitter. Criteria: Ambry Variant Classification Scheme 2023. Collection method: clinical testing. Allele origin: germline.
Comment: The p.T1652N variant (also known as c.4955C>A), located in coding exon 4 of the ALPK2 gene, results from a C to A substitution at nucleotide position 4955. The threonine at codon 1652 is replaced by asparagine, an amino acid with similar properties. This amino acid position is conserved. In addition, this alteration is predicted to be tolerated by in silico analysis. Based on the available evidence, the clinical significance of this variant remains unclear.